The following is an entry in ClinVar:

NM_000059.4(BRCA2):c.5799C>A (p.Asn1933Lys)

Gene: BRCA2 (BRCA2 DNA repair associated; plus strand). Cytogenetic location: 13q13.1.
Variant type: single nucleotide variant.
Coding change: c.5799C>A on transcript NM_000059.4 (MANE Select); coding-DNA position 5799, C replaced by A.
Protein change: p.Asn1933Lys; replaces asparagine 1933 with lysine.
Molecular consequence: missense variant. On other transcripts: non-coding transcript variant (1), intron variant (2).
Genome position (GRCh38, 1-based): chr13:32,340,154, C>A. VCF-style: chr13-32340154-C-A. GRCh37 (hg19) VCF-style: chr13-32914291-C-A.
Other names: c.5799C>A, p.Asn1933Lys (NM_001406719.1, NM_001406720.1, NM_001432077.1); c.1910-4404C>A (NM_001406721.1); c.425-4404C>A (NM_001406722.1); short protein forms N1933K.
Identifiers: ClinVar variation 3636500 (VCV003636500.2).
Genomic context (GRCh38, chr13:32,340,154, plus strand): 5'-TAGCACGCATTCACATAAGGTTTTTGCTGACATTCAGAGTGAAGAAATTTTACAACATAA[C>A]CAAAATATGTCTGGATTGGAGAAAGTTTCTAAAATATCACCTTGTGATGTTAGTTTGGAA-3'
Protein context (NP_000050.3, residues 1923-1943): DIQSEEILQH[Asn1933Lys]QNMSGLEKVS

ClinVar aggregate classification (germline): Uncertain significance (1 of 4 stars; one submission).

Conditions:
Hereditary breast ovarian cancer syndrome. Also called: Hereditary breast and ovarian cancer syndrome; Hereditary breast and ovarian cancer syndrome (HBOC); BRCA1- and BRCA2-Associated Hereditary Breast and Ovarian Cancer; Hereditary breast and ovarian cancer; Breast and ovarian cancer; Hereditary breast and/or ovarian cancer syndrome. Identifiers: Orphanet 145, MedGen C0677776, MeSH D061325, MONDO:0003582. Disease mechanism: loss of function.

Submission:

Labcorp Genetics (formerly Invitae), Labcorp
Classification: Uncertain significance for Hereditary breast ovarian cancer syndrome. Last evaluated: 2024-02-08. Review status: criteria provided, single submitter. Criteria: Invitae Variant Classification Sherloc (09022015). Collection method: clinical testing. Allele origin: germline.
Comment: This sequence change replaces asparagine, which is neutral and polar, with lysine, which is basic and polar, at codon 1933 of the BRCA2 protein (p.Asn1933Lys). This variant is not present in population databases (gnomAD no frequency). This variant has not been reported in the literature in individuals affected with BRCA2-related conditions. Advanced modeling of protein sequence and biophysical properties (such as structural, functional, and spatial information, amino acid conservation, physicochemical variation, residue mobility, and thermodynamic stability) performed at Invitae indicates that this missense variant is not expected to disrupt BRCA2 protein function with a negative predictive value of 95%. In summary, the available evidence is currently insufficient to determine the role of this variant in disease. Therefore, it has been classified as a Variant of Uncertain Significance.